The following is an entry in ClinVar:

ClinVar aggregate classification (germline): Pathogenic (1 of 4 stars; one submission).

Conditions:
STAT3-related early-onset multisystem autoimmune disease. Also called: Autoimmune disease, multisystem, infantile-onset, 1. Identifiers: Orphanet 438159, MedGen C4014795, MONDO:0014414, OMIM 615952.

Submission:

Lupski Lab, Baylor-Hopkins CMG, Baylor College of Medicine
Classification: Pathogenic for STAT3-related early-onset multisystem autoimmune disease. Last evaluated: 2014-10-30. Review status: criteria provided, single submitter. Criteria: Milner et al. (Blood 2015). Collection method: research. Allele origin: unknown. Inheritance: Autosomal dominant inheritance. Affected: yes. Observed: 1 variant allele, 1 heterozygote.
Comment: segregates with the phenotype in an affected family

NM_139276.3(STAT3):c.1260T>G (p.Asn420Lys)

Gene: STAT3 (signal transducer and activator of transcription 3; minus strand). Cytogenetic location: 17q21.2.
Variant type: single nucleotide variant.
Coding change: c.1260T>G on transcript NM_139276.3 (MANE Select); coding-DNA position 1260, T replaced by G.
Protein change: p.Asn420Lys; replaces asparagine 420 with lysine.
Molecular consequence: missense variant.
Genome position (GRCh38, 1-based): chr17:42,329,431, A>C on the plus strand (T>G on the coding strand, the complement: STAT3 is on the minus strand). VCF-style: chr17-42329431-A-C. GRCh37 (hg19) VCF-style: chr17-40481449-A-C.
Other names: c.1260T>G, p.Asn420Lys (NM_001369512.1, NM_001369513.1, NM_001369514.1 and 12 more transcripts); c.1182T>G, p.Asn394Lys (NM_001384985.1); c.1275T>G, p.Asn425Lys (NM_001384986.1, NM_001384990.1); c.1164T>G, p.Asn388Lys (NM_001384989.1); c.1200T>G, p.Asn400Lys (NM_001384992.1); short protein forms N420K, N388K, N394K, N400K, N425K.
Identifiers: ClinVar variation 224849 (VCV000224849.1), dbSNP rs869312893, ClinGen allele CA357956.